The following is an entry in ClinVar:

NM_000540.3(RYR1):c.4776G>A (p.Pro1592=)

Gene: RYR1 (ryanodine receptor 1; plus strand). Cytogenetic location: 19q13.2.
Variant type: single nucleotide variant.
Coding change: c.4776G>A on transcript NM_000540.3 (MANE Select); coding-DNA position 4776, G replaced by A.
Protein change: p.Pro1592=; no amino-acid change (proline 1592 retained).
Molecular consequence: synonymous variant.
Genome position (GRCh38, 1-based): chr19:38,483,358, G>A. VCF-style: chr19-38483358-G-A. GRCh37 (hg19) VCF-style: chr19-38973998-G-A.
Other names: c.4776G>A, p.Pro1592= (NM_001042723.2).
Identifiers: ClinVar variation 256520 (VCV000256520.14), dbSNP rs749525858, ClinGen allele CA066439.

ClinVar aggregate classification (germline): Likely benign. Review status: criteria provided, multiple submitters, no conflicts (2 of 4 stars). 5 submissions from 5 submitters: Likely benign (5). Last evaluated 2026-06-01.

Conditions:
Malignant hyperthermia, susceptibility to, 1 (MHS1). Also called: Anesthesia related hyperthermia; Malignant hyperpyrexia; Fulminating hyperpyrexia; Pharmacogenic myopathy; RYR1-Related Malignant Hyperthermia Susceptibility; Malignant hyperthermia suceptibility 1. Identifiers: Orphanet 423, MedGen C2930980, MONDO:0007783, OMIM 145600.
RYR1-related disorder. Also called: RYR1-related disorders; RYR1-related condition. Identifiers: MedGen CN239331.

Allele frequency attached by ClinVar (database versions not stated): gnomAD 0.00001; gnomAD exomes 0.00002 and 0.00006; TOPMed 0.00002; ExAC 0.00013.
gnomAD v4.1: 27 of 1,561,686 alleles (0.0017%); highest among the groups gnomAD compares: South Asian, 0.015%; no homozygotes.

Submissions (5):

CeGaT Center for Human Genetics Tuebingen
Classification: Likely benign. Last evaluated: 2026-06-01. Review status: criteria provided, single submitter. Criteria: CeGaT Center For Human Genetics Tuebingen Variant Classification Criteria Version 2. Collection method: clinical testing. Allele origin: germline. Affected: yes. Observed: 1 variant allele.
Comment: RYR1: BP4, BP7

Labcorp Genetics (formerly Invitae), Labcorp
Classification: Likely benign for RYR1-related disorder. Last evaluated: 2025-08-04. Review status: criteria provided, single submitter. Criteria: Invitae Variant Classification Sherloc (09022015). Collection method: clinical testing. Allele origin: germline.

All of Us Research Program, National Institutes of Health
Classification: Likely benign for Malignant hyperthermia, susceptibility to, 1. Last evaluated: 2024-06-11. Review status: criteria provided, single submitter. Criteria: ACMG Guidelines, 2015. Collection method: clinical testing. Allele origin: germline. Inheritance: Autosomal dominant inheritance. Observed: 3 variant alleles, 3 heterozygotes.
Comment: This study involves interpretation of variants in research participants for the purpose of population health screening. Participant phenotype was not available at the time of variant classification. Additional details can be found in publication PMID: 35346344, PMCID: PMC8962531

Color Diagnostics, LLC DBA Color Health
Classification: Likely benign for Malignant hyperthermia, susceptibility to, 1. Last evaluated: 2022-11-06. Review status: criteria provided, single submitter. Criteria: ACMG Guidelines, 2015. Collection method: clinical testing. Allele origin: germline.

PreventionGenetics, part of Exact Sciences
Classification: Likely benign. Review status: criteria provided, single submitter. Criteria: ACMG Guidelines, 2015. Collection method: clinical testing. Allele origin: germline.